The following is an entry in ClinVar:

ClinVar aggregate classification (germline): Uncertain significance (1 of 4 stars; one submission).

Allele frequency attached by ClinVar (database versions not stated): gnomAD 0.00001; TOPMed 0.00002.

Submission:

Ambry Genetics
Classification: Uncertain significance. Last evaluated: 2023-02-03. Review status: criteria provided, single submitter. Criteria: Ambry Variant Classification Scheme 2023. Collection method: clinical testing. Allele origin: germline.
Comment: The p.M602I variant (also known as c.1806G>T), located in coding exon 17 of the PRKDC gene, results from a G to T substitution at nucleotide position 1806. The methionine at codon 602 is replaced by isoleucine, an amino acid with highly similar properties. This amino acid position is conserved. In addition, this alteration is predicted to be tolerated by in silico analysis. Since supporting evidence is limited at this time, the clinical significance of this alteration remains unclear.

NM_006904.7(PRKDC):c.1806G>T (p.Met602Ile)

Gene: PRKDC (protein kinase, DNA-activated, catalytic subunit; minus strand). Cytogenetic location: 8q11.21.
Variant type: single nucleotide variant.
Coding change: c.1806G>T on transcript NM_006904.7 (MANE Select); coding-DNA position 1806, G replaced by T.
Protein change: p.Met602Ile; replaces methionine 602 with isoleucine.
Molecular consequence: missense variant.
Genome position (GRCh38, 1-based): chr8:47,930,758, C>A on the plus strand (G>T on the coding strand, the complement: PRKDC is on the minus strand). VCF-style: chr8-47930758-C-A. GRCh37 (hg19) VCF-style: chr8-48843318-C-A.
Other names: c.1806G>T, p.Met602Ile (NM_001081640.2); short protein forms M602I.
Identifiers: ClinVar variation 2497390 (VCV002497390.2), dbSNP rs930512997, ClinGen allele CA176164847.